The following is an entry in ClinVar:

ClinVar aggregate classification (germline): Uncertain significance. Review status: criteria provided, multiple submitters, no conflicts (2 of 4 stars). 4 submissions from 4 submitters: Uncertain significance (4). Last evaluated 2024-10-25.

Conditions:
Primary hypomagnesemia (HOMG3). Also called: HYPOMAGNESEMIA 3, RENAL; HYPOMAGNESEMIA, FAMILIAL, WITH HYPERCALCIURIA AND NEPHROCALCINOSIS; HYPOMAGNESEMIA, ISOLATED RENAL; HYPOMAGNESEMIA, PRIMARY, DUE TO DEFECT IN RENAL TUBULAR TRANSPORT OF MAGNESIUM. Identifiers: Orphanet 31043, MedGen C0268448, MONDO:0009550, OMIM 248250.
Inborn genetic diseases. Identifiers: MedGen C0950123, MeSH D030342.

Allele frequency attached by ClinVar (database versions not stated): ExAC 0.00007; ESP Exome Variant Server 0.00008; gnomAD 0.00008; gnomAD exomes 0.00008; TOPMed 0.00008.
gnomAD v4.1: 134 of 1,614,020 alleles (0.0083%); highest among the groups gnomAD compares: South Asian, 0.015%; no homozygotes.

Submissions (4):

Blueprint Genetics
Classification: Uncertain significance. Last evaluated: 2024-10-25. Review status: criteria provided, single submitter. Criteria: ACMG Guidelines, 2015. Collection method: clinical testing. Allele origin: germline.

Fulgent Genetics
Classification: Uncertain significance for Primary hypomagnesemia. Last evaluated: 2024-05-14. Review status: criteria provided, single submitter. Criteria: ACMG Guidelines, 2015. Collection method: clinical testing. Allele origin: germline.

Labcorp Genetics (formerly Invitae), Labcorp
Classification: Uncertain significance. Last evaluated: 2022-08-06. Review status: criteria provided, single submitter. Criteria: Invitae Variant Classification Sherloc (09022015). Collection method: clinical testing. Allele origin: germline.
Comment: This sequence change replaces tyrosine, which is neutral and polar, with histidine, which is basic and polar, at codon 77 of the CLDN16 protein (p.Tyr77His). This variant is present in population databases (rs375640819, gnomAD 0.01%). This variant has not been reported in the literature in individuals affected with CLDN16-related conditions. Algorithms developed to predict the effect of missense changes on protein structure and function (SIFT, PolyPhen-2, Align-GVGD) all suggest that this variant is likely to be disruptive. In summary, the available evidence is currently insufficient to determine the role of this variant in disease. Therefore, it has been classified as a Variant of Uncertain Significance.

Ambry Genetics
Classification: Uncertain significance for Inborn genetic diseases. Last evaluated: 2021-07-06. Review status: criteria provided, single submitter. Criteria: Ambry Variant Classification Scheme 2023. Collection method: clinical testing. Allele origin: germline.

NM_006580.4(CLDN16):c.19T>C (p.Tyr7His)

Gene: CLDN16 (claudin 16; plus strand). Cytogenetic location: 3q28.
Variant type: single nucleotide variant.
Coding change: c.19T>C on transcript NM_006580.4 (MANE Select); coding-DNA position 19, T replaced by C.
Protein change: p.Tyr7His; replaces tyrosine 7 with histidine.
Molecular consequence: missense variant.
Genome position (GRCh38, 1-based): chr3:190,388,348, T>C. VCF-style: chr3-190388348-T-C. GRCh37 (hg19) VCF-style: chr3-190106137-T-C.
Other names: c.19T>C, p.Tyr7His (NM_001378492.1, NM_001378493.1); short protein forms Y7H.
Identifiers: ClinVar variation 2084957 (VCV002084957.4), dbSNP rs375640819, ClinGen allele CA2753726.